The following is an entry in ClinVar:

NM_020949.3(SLC7A14):c.2131G>T (p.Ala711Ser)

Gene: SLC7A14 (solute carrier family 7 member 14; minus strand). Cytogenetic location: 3q26.2.
Variant type: single nucleotide variant.
Coding change: c.2131G>T on transcript NM_020949.3 (MANE Select); coding-DNA position 2131, G replaced by T.
Protein change: p.Ala711Ser; replaces alanine 711 with serine.
Molecular consequence: missense variant.
Genome position (GRCh38, 1-based): chr3:170,467,240, C>A on the plus strand (G>T on the coding strand, the complement: SLC7A14 is on the minus strand). VCF-style: chr3-170467240-C-A. GRCh37 (hg19) VCF-style: chr3-170185028-C-A.
Other names: short protein forms A711S.
Identifiers: ClinVar variation 1499309 (VCV001499309.6), dbSNP rs549360635, ClinGen allele CA2701499.

ClinVar aggregate classification (germline): Uncertain significance (1 of 4 stars; one submission).

gnomAD v4.1: 23 of 1,614,126 alleles (0.0014%); highest among the groups gnomAD compares: South Asian, 0.02%; no homozygotes.

Submission:

Labcorp Genetics (formerly Invitae), Labcorp
Classification: Uncertain significance. Last evaluated: 2023-08-02. Review status: criteria provided, single submitter. Criteria: Invitae Variant Classification Sherloc (09022015). Collection method: clinical testing. Allele origin: germline.
Comment: This variant has not been reported in the literature in individuals affected with SLC7A14-related conditions. This variant is present in population databases (rs549360635, gnomAD 0.02%). This sequence change replaces alanine, which is neutral and non-polar, with serine, which is neutral and polar, at codon 711 of the SLC7A14 protein (p.Ala711Ser). In summary, the available evidence is currently insufficient to determine the role of this variant in disease. Therefore, it has been classified as a Variant of Uncertain Significance. An algorithm developed to predict the effect of missense changes on protein structure and function (PolyPhen-2) suggests that this variant is likely to be tolerated. ClinVar contains an entry for this variant (Variation ID: 1499309).